The following is an entry in ClinVar:

ClinVar aggregate classification (germline): Likely benign. Review status: criteria provided, multiple submitters, no conflicts (2 of 4 stars). 3 submissions from 3 submitters: Likely benign (3). Last evaluated 2026-01-21.

Conditions:
Primary ciliary dyskinesia 23 (CILD23). Also called: CILIARY DYSKINESIA, PRIMARY, 23, WITH OR WITHOUT SITUS INVERSUS. Identifiers: Orphanet 244, MedGen C3809548, MONDO:0014193, OMIM 615451.

Allele frequency attached by ClinVar (database versions not stated): 1000 Genomes Project 0.00020; 1000 Genomes Project 30x 0.00031; ExAC 0.00109; TOPMed 0.00111; gnomAD 0.00130 and 0.00137; gnomAD exomes 0.00135 and 0.00153; ESP Exome Variant Server 0.00138.
gnomAD v4.1: 2,413 of 1,590,070 alleles (0.15%); highest among the groups gnomAD compares: Non-Finnish European, 0.17%; 5 homozygotes.

Submissions (3):

Labcorp Genetics (formerly Invitae), Labcorp
Classification: Likely benign for Primary ciliary dyskinesia 23. Last evaluated: 2026-01-21. Review status: criteria provided, single submitter. Criteria: Invitae Variant Classification Sherloc (09022015). Collection method: clinical testing. Allele origin: germline.

CeGaT Center for Human Genetics Tuebingen
Classification: Likely benign. Last evaluated: 2025-05-01. Review status: criteria provided, single submitter. Criteria: CeGaT Center For Human Genetics Tuebingen Variant Classification Criteria Version 2. Collection method: clinical testing. Allele origin: germline. Affected: yes. Observed: 1 variant allele.
Comment: ODAD2: BP4, BS2

Blueprint Genetics
Classification: Likely benign. Last evaluated: 2024-10-03. Review status: criteria provided, single submitter. Criteria: ACMG Guidelines, 2015. Collection method: clinical testing. Allele origin: germline.

NM_018076.5(ODAD2):c.2496-7A>G

Gene: ODAD2 (outer dynein arm docking complex subunit 2; minus strand). Cytogenetic location: 10p12.1.
Variant type: single nucleotide variant.
Coding change: c.2496-7A>G on transcript NM_018076.5 (MANE Select); 7 bases into the intron before coding-DNA position 2496, A replaced by G.
Molecular consequence: intron variant.
Genome position (GRCh38, 1-based): chr10:27,907,784, T>C on the plus strand (A>G on the coding strand, the complement: ODAD2 is on the minus strand). VCF-style: chr10-27907784-T-C. GRCh37 (hg19) VCF-style: chr10-28196713-T-C.
Other names: c.2496-7A>G (NM_001290020.2); c.1572-7A>G (NM_001312689.2); c.1071-7A>G (NM_001290021.2).
Identifiers: ClinVar variation 241262 (VCV000241262.22), dbSNP rs201203284, ClinGen allele CA5453182.